The following is an entry in ClinVar:

NM_015386.3(COG4):c.544+19T>A

Gene: COG4 (component of oligomeric golgi complex 4; minus strand). Cytogenetic location: 16q22.1.
Variant type: single nucleotide variant.
Coding change: c.544+19T>A on transcript NM_015386.3 (MANE Select); 19 bases into the intron after coding-DNA position 544, T replaced by A.
Molecular consequence: intron variant.
Genome position (GRCh38, 1-based): chr16:70,514,316, A>T on the plus strand (T>A on the coding strand, the complement: COG4 is on the minus strand). VCF-style: chr16-70514316-A-T. GRCh37 (hg19) VCF-style: chr16-70548219-A-T.
Other names: c.532+19T>A (NM_001195139.2); c.118+19T>A (NM_001365426.1).
Identifiers: ClinVar variation 380059 (VCV000380059.12), dbSNP rs74324138, ClinGen allele CA8144653.
Genomic context (GRCh38, chr16:70,514,316, plus strand): 5'-TTTTTATTGGTCGAGTCTGCTTACTTCAGATTACAGATGATTTTAACTAAACTAAAAACC[A>T]ACAGTTTCGGATGCTGACCCTCTTTGCCCTGTCGGCTGAGCTCAATGACCGACTTGTCCA-3'

ClinVar aggregate classification (germline): Benign. Review status: criteria provided, multiple submitters, no conflicts (2 of 4 stars). 3 submissions from 3 submitters: Benign (3). Last evaluated 2026-01-27.

Conditions:
COG4-congenital disorder of glycosylation. Also called: CONGENITAL DISORDER OF GLYCOSYLATION, TYPE IIj; CDG IIj; COG4-CDG. Identifiers: Orphanet 263501, MedGen C4303552, MONDO:0013281, OMIM 613489.

Allele frequency attached by ClinVar (database versions not stated): 1000 Genomes Project 30x 0.04606; 1000 Genomes Project 0.04633; TOPMed 0.05180; gnomAD 0.05339 and 0.05501; ESP Exome Variant Server 0.05725; gnomAD exomes 0.06306 and 0.07527; ExAC 0.06352.
gnomAD v4.1: 118,270 of 1,612,982 alleles (7.3%); highest among the groups gnomAD compares: Non-Finnish European, 7.9%; 4,791 homozygotes.

Submissions 1 to 30 of 46:

Labcorp Genetics (formerly Invitae), Labcorp
Classification: Benign for COG4-congenital disorder of glycosylation. Last evaluated: 2026-01-27. Review status: criteria provided, single submitter. Criteria: Invitae Variant Classification Sherloc (09022015). Collection method: clinical testing. Allele origin: germline.

GeneDx
Classification: Benign. Last evaluated: 2016-01-26. Review status: criteria provided, single submitter. Criteria: GeneDx Variant Classification (06012015). Collection method: clinical testing. Allele origin: germline. Affected: yes.
Comment: This variant is considered likely benign or benign based on one or more of the following criteria: it is a conservative change, it occurs at a poorly conserved position in the protein, it is predicted to be benign by multiple in silico algorithms, and/or has population frequency not consistent with disease.

Breakthrough Genomics
Classification: Benign. Review status: criteria provided, single submitter. Criteria: ACMG Guidelines, 2015. Collection method: not provided. Allele origin: germline. Inheritance: Autosomal recessive inheritance. Affected: yes.

Dr. Peter K. Rogan Lab, Western University
No classification provided (evidence only). Condition: Acute myeloid leukemia. Review status: no classification provided. Collection method: in vitro. Allele origin: not applicable. Functional consequence: retained intron. Not counted in ClinVar's aggregate classification.

Dr. Peter K. Rogan Lab, Western University
No classification provided (evidence only). Condition: Acute myeloid leukemia. Review status: no classification provided. Collection method: in vitro. Allele origin: not applicable. Functional consequence: cryptic splice site, retained intron. Not counted in ClinVar's aggregate classification.

Dr. Peter K. Rogan Lab, Western University
No classification provided (evidence only). Condition: Acute myeloid leukemia. Review status: no classification provided. Collection method: in vitro. Allele origin: not applicable. Functional consequence: retained intron. Not counted in ClinVar's aggregate classification.

Dr. Peter K. Rogan Lab, Western University
No classification provided (evidence only). Condition: Acute myeloid leukemia. Review status: no classification provided. Collection method: in vitro. Allele origin: not applicable. Functional consequence: cryptic splice site, skipped exon, retained intron. Not counted in ClinVar's aggregate classification.

Dr. Peter K. Rogan Lab, Western University
No classification provided (evidence only). Condition: Acute myeloid leukemia. Review status: no classification provided. Collection method: in vitro. Allele origin: not applicable. Functional consequence: cryptic splice site, retained intron. Not counted in ClinVar's aggregate classification.

Dr. Peter K. Rogan Lab, Western University
No classification provided (evidence only). Condition: Acute myeloid leukemia. Review status: no classification provided. Collection method: in vitro. Allele origin: not applicable. Functional consequence: retained intron. Not counted in ClinVar's aggregate classification.

Dr. Peter K. Rogan Lab, Western University
No classification provided (evidence only). Condition: Acute myeloid leukemia. Review status: no classification provided. Collection method: in vitro. Allele origin: not applicable. Functional consequence: skipped exon, retained intron. Not counted in ClinVar's aggregate classification.

Dr. Peter K. Rogan Lab, Western University
No classification provided (evidence only). Condition: Acute myeloid leukemia. Review status: no classification provided. Collection method: in vitro. Allele origin: not applicable. Functional consequence: retained intron. Not counted in ClinVar's aggregate classification.

Dr. Peter K. Rogan Lab, Western University
No classification provided (evidence only). Condition: Acute myeloid leukemia. Review status: no classification provided. Collection method: in vitro. Allele origin: not applicable. Functional consequence: cryptic splice site, skipped exon, retained intron. Not counted in ClinVar's aggregate classification.

Dr. Peter K. Rogan Lab, Western University
No classification provided (evidence only). Condition: Acute myeloid leukemia. Review status: no classification provided. Collection method: in vitro. Allele origin: not applicable. Functional consequence: retained intron. Not counted in ClinVar's aggregate classification.

Dr. Peter K. Rogan Lab, Western University
No classification provided (evidence only). Condition: Acute myeloid leukemia. Review status: no classification provided. Collection method: in vitro. Allele origin: not applicable. Functional consequence: retained intron. Not counted in ClinVar's aggregate classification.

Dr. Peter K. Rogan Lab, Western University
No classification provided (evidence only). Condition: Acute myeloid leukemia. Review status: no classification provided. Collection method: in vitro. Allele origin: not applicable. Functional consequence: skipped exon, retained intron. Not counted in ClinVar's aggregate classification.

Dr. Peter K. Rogan Lab, Western University
No classification provided (evidence only). Condition: Acute myeloid leukemia. Review status: no classification provided. Collection method: in vitro. Allele origin: not applicable. Functional consequence: cryptic splice site, retained intron. Not counted in ClinVar's aggregate classification.

Dr. Peter K. Rogan Lab, Western University
No classification provided (evidence only). Condition: Acute myeloid leukemia. Review status: no classification provided. Collection method: in vitro. Allele origin: not applicable. Functional consequence: retained intron. Not counted in ClinVar's aggregate classification.

Dr. Peter K. Rogan Lab, Western University
No classification provided (evidence only). Condition: Acute myeloid leukemia. Review status: no classification provided. Collection method: in vitro. Allele origin: not applicable. Functional consequence: retained intron. Not counted in ClinVar's aggregate classification.

Dr. Peter K. Rogan Lab, Western University
No classification provided (evidence only). Condition: Acute myeloid leukemia. Review status: no classification provided. Collection method: in vitro. Allele origin: not applicable. Functional consequence: retained intron. Not counted in ClinVar's aggregate classification.

Dr. Peter K. Rogan Lab, Western University
No classification provided (evidence only). Condition: Acute myeloid leukemia. Review status: no classification provided. Collection method: in vitro. Allele origin: not applicable. Functional consequence: skipped exon, retained intron. Not counted in ClinVar's aggregate classification.

Dr. Peter K. Rogan Lab, Western University
No classification provided (evidence only). Condition: Acute myeloid leukemia. Review status: no classification provided. Collection method: in vitro. Allele origin: not applicable. Functional consequence: cryptic splice site, retained intron. Not counted in ClinVar's aggregate classification.

Dr. Peter K. Rogan Lab, Western University
No classification provided (evidence only). Condition: Malignant lymphoma, large B-cell, diffuse. Review status: no classification provided. Collection method: in vitro. Allele origin: not applicable. Functional consequence: retained intron. Not counted in ClinVar's aggregate classification.

Dr. Peter K. Rogan Lab, Western University
No classification provided (evidence only). Condition: Malignant lymphoma, large B-cell, diffuse. Review status: no classification provided. Collection method: in vitro. Allele origin: not applicable. Functional consequence: retained intron. Not counted in ClinVar's aggregate classification.

Dr. Peter K. Rogan Lab, Western University
No classification provided (evidence only). Condition: Thymoma. Review status: no classification provided. Collection method: in vitro. Allele origin: not applicable. Functional consequence: cryptic splice site, retained intron. Not counted in ClinVar's aggregate classification.

Dr. Peter K. Rogan Lab, Western University
No classification provided (evidence only). Condition: Thymoma. Review status: no classification provided. Collection method: in vitro. Allele origin: not applicable. Functional consequence: cryptic splice site, retained intron. Not counted in ClinVar's aggregate classification.

Dr. Peter K. Rogan Lab, Western University
No classification provided (evidence only). Condition: Thymoma. Review status: no classification provided. Collection method: in vitro. Allele origin: not applicable. Functional consequence: cryptic splice site, retained intron. Not counted in ClinVar's aggregate classification.

Dr. Peter K. Rogan Lab, Western University
No classification provided (evidence only). Condition: Thymoma. Review status: no classification provided. Collection method: in vitro. Allele origin: not applicable. Functional consequence: cryptic splice site, retained intron. Not counted in ClinVar's aggregate classification.

Dr. Peter K. Rogan Lab, Western University
No classification provided (evidence only). Condition: Thymoma. Review status: no classification provided. Collection method: in vitro. Allele origin: not applicable. Functional consequence: cryptic splice site, retained intron. Not counted in ClinVar's aggregate classification.

Dr. Peter K. Rogan Lab, Western University
No classification provided (evidence only). Condition: Cholangiocarcinoma. Review status: no classification provided. Collection method: in vitro. Allele origin: not applicable. Functional consequence: cryptic splice site, retained intron. Not counted in ClinVar's aggregate classification.

Dr. Peter K. Rogan Lab, Western University
No classification provided (evidence only). Condition: Cholangiocarcinoma. Review status: no classification provided. Collection method: in vitro. Allele origin: not applicable. Functional consequence: cryptic splice site, retained intron. Not counted in ClinVar's aggregate classification.